The following is an entry in ClinVar:

ClinVar aggregate classification (germline): Uncertain significance (1 of 4 stars; one submission).

Conditions:
RASopathy. Also called: Noonan spectrum disorder; rasopathies. Identifiers: Orphanet 536391, MedGen C5555857, MONDO:0021060.

Submission:

Labcorp Genetics (formerly Invitae), Labcorp
Classification: Uncertain significance for RASopathy. Last evaluated: 2022-11-15. Review status: criteria provided, single submitter. Criteria: Invitae Variant Classification Sherloc (09022015). Collection method: clinical testing. Allele origin: germline.
Comment: In summary, the available evidence is currently insufficient to determine the role of this variant in disease. Therefore, it has been classified as a Variant of Uncertain Significance. This variant has not been reported in the literature in individuals affected with CBL-related conditions. This variant is a gross deletion of the genomic region encompassing exon(s) 4-11 of the CBL gene. This deletion is out-of-frame, and is expected to create a premature translational stop signal and result in an absent or disrupted protein product. However, the current clinical and genetic evidence is not sufficient to establish whether loss-of-function variants in CBL cause disease.

NC_000011.9:g.(?_119144558)_(119156296_?)del

Gene: CBL (Cbl proto-oncogene; plus strand). Cytogenetic location: 11q23.3.
Variant type: Deletion.
Identifiers: ClinVar variation 2425313 (VCV002425313.4).